The following is an entry in ClinVar:

ClinVar aggregate classification (germline): Uncertain significance (1 of 4 stars; one submission).

gnomAD v4.1: 2 of 1,540,558 alleles (0.00013%); highest among the groups gnomAD compares: Non-Finnish European, 0.00018%; no homozygotes.

Submission:

GeneDx
Classification: Uncertain significance. Last evaluated: 2023-12-18. Review status: criteria provided, single submitter. Criteria: GeneDx Variant Classification Process June 2021. Collection method: clinical testing. Allele origin: germline. Affected: yes.
Comment: Not observed at significant frequency in large population cohorts (gnomAD); In silico analysis supports that this missense variant does not alter protein structure/function; Has not been previously published as pathogenic or benign to our knowledge

NM_001104631.2(PDE4D):c.121T>C (p.Tyr41His)

Gene: PDE4D (phosphodiesterase 4D; minus strand). Cytogenetic location: 5q12.1.
Variant type: single nucleotide variant.
Coding change: c.121T>C on transcript NM_001104631.2 (MANE Select); coding-DNA position 121, T replaced by C.
Protein change: p.Tyr41His; replaces tyrosine 41 with histidine.
Molecular consequence: missense variant. On other transcripts: intron variant (5).
Genome position (GRCh38, 1-based): chr5:59,893,502, A>G on the plus strand (T>C on the coding strand, the complement: PDE4D is on the minus strand). VCF-style: chr5-59893502-A-G. GRCh37 (hg19) VCF-style: chr5-59189329-A-G.
Other names: c.272+94986T>C (NM_001364599.1, NM_001165899.2, NM_001364600.2); c.-240+94986T>C (NM_001349243.2); c.242+94986T>C (NM_001349241.2); short protein forms Y41H.
Identifiers: ClinVar variation 3369991 (VCV003369991.1).